The following is an entry in ClinVar:

NM_016592.5(GNAS):c.532G>A (p.Ala178Thr)

Genes: GNAS (GNAS complex locus; plus strand), GNAS-AS1 (GNAS antisense RNA 1; minus strand). Cytogenetic location: 20q13.32.
Variant type: single nucleotide variant.
Coding change: c.532G>A on transcript NM_016592.5 (MANE Plus Clinical); coding-DNA position 532, G replaced by A.
Protein change: p.Ala178Thr; replaces alanine 178 with threonine.
Molecular consequence: missense variant. On other transcripts: 5 prime UTR variant (1).
Genome position (GRCh38, 1-based): chr20:58,840,638, G>A. VCF-style: chr20-58840638-G-A. GRCh37 (hg19) VCF-style: chr20-57415693-G-A.
Other names: c.-206G>A (NM_001410912.1); short protein forms A178T.
Identifiers: ClinVar variation 4822173 (VCV004822173.4).

ClinVar aggregate classification (germline): Likely benign (1 of 4 stars; one submission).

gnomAD v4.1: 3 of 1,605,852 alleles (0.00019%); highest among the groups gnomAD compares: South Asian, 0.0011%; no homozygotes.

Submission:

CeGaT Center for Human Genetics Tuebingen
Classification: Likely benign. Last evaluated: 2026-03-01. Review status: criteria provided, single submitter. Criteria: CeGaT Center For Human Genetics Tuebingen Variant Classification Criteria Version 2. Collection method: clinical testing. Allele origin: germline. Affected: yes. Observed: 1 variant allele.
Comment: GNAS: BP4